The following is an entry in ClinVar:

NM_020795.4(NLGN2):c.1343G>A (p.Arg448His)

Gene: NLGN2 (neuroligin 2; plus strand). Cytogenetic location: 17p13.1.
Variant type: single nucleotide variant.
Coding change: c.1343G>A on transcript NM_020795.4 (MANE Select); coding-DNA position 1343, G replaced by A.
Protein change: p.Arg448His; replaces arginine 448 with histidine.
Molecular consequence: missense variant.
Genome position (GRCh38, 1-based): chr17:7,415,816, G>A. VCF-style: chr17-7415816-G-A. GRCh37 (hg19) VCF-style: chr17-7319135-G-A.
Other names: short protein forms R448H.
Identifiers: ClinVar variation 3026518 (VCV003026518.22), dbSNP rs2507744799, ClinGen allele CA397825203.

ClinVar aggregate classification (germline): Uncertain significance (1 of 4 stars; one submission).

Allele frequency attached by ClinVar (database versions not stated): gnomAD exomes below 0.00001.

Submission:

CeGaT Center for Human Genetics Tuebingen
Classification: Uncertain significance. Last evaluated: 2024-01-01. Review status: criteria provided, single submitter. Criteria: CeGaT Center For Human Genetics Tuebingen Variant Classification Criteria Version 2. Collection method: clinical testing. Allele origin: germline. Affected: yes. Observed: 1 variant allele.
Comment: NLGN2: PM2, PP2, PS2:Supporting, PS4:Supporting